The following is an entry in ClinVar:

ClinVar aggregate classification (germline): Conflicting classifications of pathogenicity. Review status: criteria provided, conflicting classifications (1 of 4 stars). 5 submissions from 5 submitters: Likely pathogenic (2); Uncertain significance (1). 2 of the submissions do not count toward it. Last evaluated 2025-10-07.

Conditions:
RYR1-related disorder. Also called: RYR1-related condition; RYR1-related disorders. Identifiers: MedGen CN239331.
Malignant hyperthermia, susceptibility to, 1 (MHS1). Also called: Malignant hyperthermia suceptibility 1; Anesthesia related hyperthermia; Malignant hyperpyrexia; Fulminating hyperpyrexia; Pharmacogenic myopathy; RYR1-Related Malignant Hyperthermia Susceptibility. Identifiers: Orphanet 423, MedGen C2930980, MONDO:0007783, OMIM 145600.

Allele frequency attached by ClinVar (database versions not stated): gnomAD exomes below 0.00001 and 0.00001; TOPMed below 0.00001; gnomAD 0.00001; ESP Exome Variant Server 0.00008.

Submissions (5):

Labcorp Genetics (formerly Invitae), Labcorp
Classification: Likely pathogenic for RYR1-related disorder. Last evaluated: 2025-10-07. Review status: criteria provided, single submitter. Criteria: Invitae Variant Classification Sherloc (09022015). Collection method: clinical testing. Allele origin: germline.
Comment: This sequence change replaces glutamine, which is neutral and polar, with histidine, which is basic and polar, at codon 5007 of the RYR1 protein (p.Gln5007His). This variant also falls at the last nucleotide of exon 105, which is part of the consensus splice site for this exon. This variant is present in population databases (rs376293495, gnomAD 0.003%). This variant has not been reported in the literature in individuals affected with RYR1-related conditions. ClinVar contains an entry for this variant (Variation ID: 1284912). Invitae Evidence Modeling of protein sequence and biophysical properties (such as structural, functional, and spatial information, amino acid conservation, physicochemical variation, residue mobility, and thermodynamic stability) has been performed for this missense variant. However, the output from this modeling did not meet the statistical confidence thresholds required to predict the impact of this variant on RYR1 protein function. Variants that disrupt the consensus splice site are a relatively common cause of aberrant splicing (PMID: 17576681, 9536098). Algorithms developed to predict the effect of sequence changes on RNA splicing suggest that this variant may disrupt the consensus splice site. In summary, the currently available evidence indicates that the variant is pathogenic, but additional data are needed to prove that conclusively. Therefore, this variant has been classified as Likely Pathogenic.

All of Us Research Program, National Institutes of Health
Classification: Uncertain significance for Malignant hyperthermia, susceptibility to, 1. Last evaluated: 2023-12-13. Review status: criteria provided, single submitter. Criteria: ACMG Guidelines, 2015. Collection method: clinical testing. Allele origin: germline. Inheritance: Autosomal dominant inheritance. Observed: 1 variant allele, 1 heterozygote.
Comment: This missense variant replaces glutamine with histidine at codon 5007 of the RYR1 protein. Computational prediction tool indicates that this variant may have an uncertain impact on protein structure and function. To our knowledge, functional studies have not been reported for this variant. This variant has not been reported in individuals affected with autosomal dominant malignant hyperthermia in the literature, although it is associated with other phenotype(s) (ClinVar variation ID: 1284912). This variant has been identified in 3/282900 chromosomes in the general population by the Genome Aggregation Database (gnomAD). Due to insufficient evidence, this variant is classified as a Variant of Uncertain Significance for autosomal dominant malignant hyperthermia.

This study involves interpretation of variants in research participants for the purpose of population health screening. Participant phenotype was not available at the time of variant classification. Additional details can be found in publication PMID: 35346344, PMCID: PMC8962531

GeneDx
Classification: Likely pathogenic. Last evaluated: 2022-11-28. Review status: criteria provided, single submitter. Criteria: GeneDx Variant Classification Process June 2021. Collection method: clinical testing. Allele origin: germline. Affected: yes.
Comment: Alters the last nucleotide of the exon and is predicted to destroy the splice donor site and result in aberrant splicing, although in the absence of functional evidence the actual effect of this sequence change is unknown; Not observed at significant frequency in large population cohorts (gnomAD); In silico analysis supports that this missense variant has a deleterious effect on protein structure/function; Has not been previously published as pathogenic or benign to our knowledge

Genome Diagnostics Laboratory, University Medical Center Utrecht
Classification: Uncertain significance. Review status: no assertion criteria provided. Collection method: clinical testing. Allele origin: germline. Affected: yes. Study: VKGL Data-share Consensus. Not counted in ClinVar's aggregate classification.

Joint Genome Diagnostic Labs from Nijmegen and Maastricht, Radboudumc and MUMC+
Classification: Uncertain significance. Review status: no assertion criteria provided. Collection method: clinical testing. Allele origin: germline. Affected: yes. Study: VKGL Data-share Consensus. Not counted in ClinVar's aggregate classification.

Literature cited by the submitters: PubMed 17576681 (cited by Labcorp Genetics (formerly Invitae), Labcorp); PubMed 9536098 (cited by Labcorp Genetics (formerly Invitae), Labcorp).

NM_000540.3(RYR1):c.15021G>C (p.Gln5007His)

Gene: RYR1 (ryanodine receptor 1; plus strand). Cytogenetic location: 19q13.2.
Variant type: single nucleotide variant.
Coding change: c.15021G>C on transcript NM_000540.3 (MANE Select); coding-DNA position 15021, G replaced by C.
Protein change: p.Gln5007His; replaces glutamine 5007 with histidine.
Molecular consequence: missense variant.
Genome position (GRCh38, 1-based): chr19:38,586,576, G>C. VCF-style: chr19-38586576-G-C. GRCh37 (hg19) VCF-style: chr19-39077216-G-C.
Other names: c.15021G>C (NM_000540.2); c.15006G>C, p.Gln5002His (NM_001042723.2); short protein forms Q5002H, Q5007H.
Identifiers: ClinVar variation 1284912 (VCV001284912.12), dbSNP rs376293495, ClinGen allele CA308127032.
Genomic context (GRCh38, chr19:38,586,576, plus strand): 5'-CACCCTCAGGTTTTTCCTGATGTATTTGATAAACAAGGATGAGACAGAACACACGGGTCA[G>C]GTAAGGGGGTGTTAATGGGAGGACAGTGGGCAGGACGTGGAGCCCTTTAACATAAGGCCA-3'
Protein context (NP_000531.2, residues 4997-5017): INKDETEHTG[Gln5007His]ESYVWKMYQE